The following is an entry in ClinVar:

ClinVar aggregate classification (germline): Uncertain significance. Review status: criteria provided, multiple submitters, no conflicts (2 of 4 stars). 7 submissions from 7 submitters: Uncertain significance (7). Last evaluated 2025-01-31.

Conditions:
TRIM32-related disorder. Also called: TRIM32-related condition.
Inborn genetic diseases. Identifiers: MedGen C0950123, MeSH D030342.
Bardet-Biedl syndrome 11 (BBS11). Identifiers: Orphanet 110, MedGen C1859569, MONDO:0014439, OMIM 615988.
Sarcotubular myopathy (LGMDR8). Also called: Limb-girdle muscular dystrophy, type 2H; MUSCULAR DYSTROPHY, LIMB-GIRDLE, AUTOSOMAL RECESSIVE 8; Autosomal recessive limb-girdle muscular dystrophy type 2H; Hutterite type of muscular dystrophy. Identifiers: Orphanet 1878, MedGen C0270968, MONDO:0009683, OMIM 254110.
Bardet-Biedl syndrome (BBS). Identifiers: Orphanet 110, MedGen C0752166, MONDO:0015229.

Allele frequency attached by ClinVar (database versions not stated): gnomAD 0.00001; ExAC 0.00002; gnomAD exomes 0.00002 and 0.00005; TOPMed 0.00002.
gnomAD v4.1: 86 of 1,614,034 alleles (0.0053%); highest among the groups gnomAD compares: Non-Finnish European, 0.0066%; no homozygotes.

Submissions (7):

PreventionGenetics, part of Exact Sciences
Classification: Uncertain significance for TRIM32-related condition. Last evaluated: 2025-01-31. Review status: criteria provided, single submitter. Criteria: ACMG Guidelines, 2015. Collection method: clinical testing. Allele origin: germline.
Comment: The TRIM32 c.1004G>A variant is predicted to result in the amino acid substitution p.Ser335Asn. To our knowledge, this variant has not been reported in the literature. This variant is reported in 0.0039% of alleles in individuals of European (Non-Finnish) descent in gnomAD. At this time, the clinical significance of this variant is uncertain due to the absence of conclusive functional and genetic evidence.

Ambry Genetics
Classification: Uncertain significance for Inborn genetic diseases. Last evaluated: 2024-12-23. Review status: criteria provided, single submitter. Criteria: Ambry Variant Classification Scheme 2023. Collection method: clinical testing. Allele origin: germline.

Revvity Omics, Revvity
Classification: Uncertain significance. Last evaluated: 2023-06-01. Review status: criteria provided, single submitter. Criteria: ACMG Guidelines, 2015. Collection method: clinical testing. Allele origin: germline.

Blueprint Genetics
Classification: Uncertain significance. Last evaluated: 2022-12-15. Review status: criteria provided, single submitter. Criteria: ACMG Guidelines, 2015. Collection method: clinical testing. Allele origin: germline.

Labcorp Genetics (formerly Invitae), Labcorp
Classification: Uncertain significance for Bardet-Biedl syndrome. Last evaluated: 2022-07-11. Review status: criteria provided, single submitter. Criteria: Invitae Variant Classification Sherloc (09022015). Collection method: clinical testing. Allele origin: germline.
Comment: This sequence change replaces serine, which is neutral and polar, with asparagine, which is neutral and polar, at codon 335 of the TRIM32 protein (p.Ser335Asn). This variant is present in population databases (rs778321975, gnomAD 0.004%). This variant has not been reported in the literature in individuals affected with TRIM32-related conditions. ClinVar contains an entry for this variant (Variation ID: 285713). Algorithms developed to predict the effect of missense changes on protein structure and function (SIFT, PolyPhen-2, Align-GVGD) all suggest that this variant is likely to be tolerated. In summary, the available evidence is currently insufficient to determine the role of this variant in disease. Therefore, it has been classified as a Variant of Uncertain Significance.

Fulgent Genetics
Classification: Uncertain significance for Sarcotubular myopathy; Bardet-Biedl syndrome 11. Last evaluated: 2021-11-01. Review status: criteria provided, single submitter. Criteria: ACMG Guidelines, 2015. Collection method: clinical testing. Allele origin: unknown.

Eurofins Ntd Llc (ga)
Classification: Uncertain significance. Last evaluated: 2017-04-12. Review status: criteria provided, single submitter. Criteria: EGL Classification Definitions 2015. Collection method: clinical testing. Allele origin: germline. Observed: 3 variant alleles, 3 heterozygotes.

NM_012210.4(TRIM32):c.1004G>A (p.Ser335Asn)

Genes: ASTN2 (astrotactin 2; minus strand), TRIM32 (tripartite motif containing 32; plus strand). Cytogenetic location: 9q33.1.
Variant type: single nucleotide variant.
Coding change: c.1004G>A on transcript NM_012210.4 (MANE Select); coding-DNA position 1004, G replaced by A.
Protein change: p.Ser335Asn; replaces serine 335 with asparagine.
Molecular consequence: missense variant. On other transcripts: intron variant (3).
Genome position (GRCh38, 1-based): chr9:116,698,746, G>A. VCF-style: chr9-116698746-G-A. GRCh37 (hg19) VCF-style: chr9-119461025-G-A.
Other names: c.1004G>A, p.Ser335Asn (NM_001099679.2, NM_001379048.1, NM_001379049.1 and 1 more transcripts); c.2653+27025C>T (NM_014010.5); c.2794+27025C>T (NM_001365069.1); c.2806+27025C>T (NM_001365068.1); short protein forms S335N.
Identifiers: ClinVar variation 285713 (VCV000285713.17), dbSNP rs778321975, ClinGen allele CA5211088.
Genomic context (GRCh38, chr9:116,698,746, plus strand): 5'-CTGCCTCTACCTCTGTTACTTTTAGAGAGATGGACATGAGCCCGGAGGAAGTGGTTGCCA[G>A]CCCTAGGGCCTCACCTGCTAAACAGCGGGGTCCTGAGGCAGCCTCCAATATCCAGCAGTG-3'
Protein context (NP_036342.2, residues 325-345): MDMSPEEVVA[Ser335Asn]PRASPAKQRG